The following is an entry in ClinVar:

NM_021738.3(SVIL):c.2529G>A (p.Gln843=)

Gene: SVIL (supervillin; minus strand). Cytogenetic location: 10p11.23.
Variant type: single nucleotide variant.
Coding change: c.2529G>A on transcript NM_021738.3 (MANE Select); coding-DNA position 2529, G replaced by A.
Protein change: p.Gln843=; no amino-acid change (glutamine 843 retained).
Molecular consequence: synonymous variant.
Genome position (GRCh38, 1-based): chr10:29,524,529, C>T on the plus strand (G>A on the coding strand, the complement: SVIL is on the minus strand). VCF-style: chr10-29524529-C-T. GRCh37 (hg19) VCF-style: chr10-29813458-C-T.
Other names: c.1599G>A, p.Gln533= (NM_001323599.2); c.1347G>A, p.Gln449= (NM_001323600.1); c.1251G>A, p.Gln417= (NM_003174.3).
Identifiers: ClinVar variation 4823792 (VCV004823792.4).

ClinVar aggregate classification (germline): Uncertain significance (1 of 4 stars; one submission).

Submission:

CeGaT Center for Human Genetics Tuebingen
Classification: Uncertain significance. Last evaluated: 2026-04-01. Review status: criteria provided, single submitter. Criteria: CeGaT Center For Human Genetics Tuebingen Variant Classification Criteria Version 2. Collection method: clinical testing. Allele origin: germline. Affected: yes. Observed: 1 variant allele.
Comment: SVIL: PM2:Supporting, BP4